The following is an entry in ClinVar:

NM_032776.3(JMJD1C):c.4918C>G (p.Gln1640Glu)

Gene: JMJD1C (jumonji domain containing 1C; minus strand). Cytogenetic location: 10q21.3.
Variant type: single nucleotide variant.
Coding change: c.4918C>G on transcript NM_032776.3 (MANE Select); coding-DNA position 4918, C replaced by G.
Protein change: p.Gln1640Glu; replaces glutamine 1640 with glutamic acid.
Molecular consequence: missense variant. On other transcripts: non-coding transcript variant (1).
Genome position (GRCh38, 1-based): chr10:63,206,751, G>C on the plus strand (C>G on the coding strand, the complement: JMJD1C is on the minus strand). VCF-style: chr10-63206751-G-C. GRCh37 (hg19) VCF-style: chr10-64966511-G-C.
Other names: c.4372C>G, p.Gln1458Glu (NM_001282948.2, NM_001318154.2); c.4054C>G, p.Gln1352Glu (NM_001318153.2); c.4804C>G, p.Gln1602Glu (NM_001322252.2); c.4261C>G, p.Gln1421Glu (NM_001322254.2, NM_001322258.2); short protein forms Q1352E, Q1602E, Q1640E, Q1421E, Q1458E.
Identifiers: ClinVar variation 1377247 (VCV001377247.6), dbSNP rs763383360, ClinGen allele CA5518185.

ClinVar aggregate classification (germline): Uncertain significance (1 of 4 stars; one submission).

Conditions:
Early Myoclonic Encephalopathy. Identifiers: MedGen C0270855.

Allele frequency attached by ClinVar (database versions not stated): ExAC 0.00001; gnomAD exomes 0.00001 and below 0.00001.
gnomAD v4.1: 3 of 1,612,632 alleles (0.00019%); highest among the groups gnomAD compares: South Asian, 0.0022%; no homozygotes.

Submission:

Labcorp Genetics (formerly Invitae), Labcorp
Classification: Uncertain significance for Early Myoclonic Encephalopathy. Last evaluated: 2022-08-09. Review status: criteria provided, single submitter. Criteria: Invitae Variant Classification Sherloc (09022015). Collection method: clinical testing. Allele origin: germline.
Comment: This variant has not been reported in the literature in individuals affected with JMJD1C-related conditions. In summary, the available evidence is currently insufficient to determine the role of this variant in disease. Therefore, it has been classified as a Variant of Uncertain Significance. Algorithms developed to predict the effect of missense changes on protein structure and function are either unavailable or do not agree on the potential impact of this missense change (SIFT: "Tolerated"; PolyPhen-2: "Possibly Damaging"; Align-GVGD: "Class C0"). ClinVar contains an entry for this variant (Variation ID: 1377247). This variant is present in population databases (rs763383360, gnomAD 0.007%). This sequence change replaces glutamine, which is neutral and polar, with glutamic acid, which is acidic and polar, at codon 1640 of the JMJD1C protein (p.Gln1640Glu).